The following is an entry in ClinVar:

ClinVar aggregate classification (germline): Likely benign. Review status: criteria provided, single submitter (1 of 4 stars). 2 submissions from 2 submitters: Likely benign (1). 1 of the submissions does not count toward it. Last evaluated 2024-11-27.

Conditions:
PKD1-related disorder. Also called: PKD1-related condition.

Allele frequency attached by ClinVar (database versions not stated): gnomAD 0.00026; ExAC 0.10327.

Submissions (2):

Blueprint Genetics
Classification: Likely benign. Last evaluated: 2024-11-27. Review status: criteria provided, single submitter. Criteria: ACMG Guidelines, 2015. Collection method: clinical testing. Allele origin: germline.

PreventionGenetics, part of Exact Sciences
Classification: Benign for PKD1-related condition. Last evaluated: 2022-04-14. Review status: no assertion criteria provided. Collection method: clinical testing. Allele origin: germline. Not counted in ClinVar's aggregate classification.
Comment: This variant is classified as benign based on ACMG/AMP sequence variant interpretation guidelines (Richards et al. 2015 PMID: 25741868, with internal and published modifications).

NM_001009944.3(PKD1):c.2813C>T (p.Thr938Met)

Gene: PKD1 (polycystin 1, transient receptor potential channel interacting; minus strand). Cytogenetic location: 16p13.3.
Variant type: single nucleotide variant.
Coding change: c.2813C>T on transcript NM_001009944.3 (MANE Select); coding-DNA position 2813, C replaced by T.
Protein change: p.Thr938Met; replaces threonine 938 with methionine.
Molecular consequence: missense variant.
Genome position (GRCh38, 1-based): chr16:2,114,210, G>A on the plus strand (C>T on the coding strand, the complement: PKD1 is on the minus strand). VCF-style: chr16-2114210-G-A. GRCh37 (hg19) VCF-style: chr16-2164211-G-A.
Other names: c.2813C>T, p.Thr938Met (NM_000296.4); short protein forms T938M.
Identifiers: ClinVar variation 3038518 (VCV003038518.3), dbSNP rs74488735, ClinGen allele CA7833086.
Genomic context (GRCh38, chr16:2,114,210, plus strand): 5'-GGAGCCTCGGCCATACTCACCACTAGGACTCCCTGCAGTACACGGGCCTCGGGGCTGGGC[G>A]TGGCGCGGAGGCCACAGATGGGCTCCTCCGCCGTCACCCGCAGGCTGAGGTTGGCCCGGC-3'
Protein context (NP_001009944.3, residues 928-948): AEEPICGLRA[Thr938Met]PSPEARVLQG